The following is an entry in ClinVar:

ClinVar aggregate classification (germline): Benign/Likely benign. Review status: criteria provided, multiple submitters, no conflicts (2 of 4 stars). 3 submissions from 3 submitters: Benign (1); Likely benign (2). Last evaluated 2026-06-04.

Conditions:
Hereditary cancer-predisposing syndrome. Also called: Neoplastic Syndromes, Hereditary; Hereditary Cancer Syndrome; Hereditary neoplastic syndrome; Tumor predisposition. Identifiers: Orphanet 140162, MedGen C0027672, MeSH D009386, MONDO:0015356.
Gastrointestinal stromal tumor. Also called: Gastrointestinal stroma tumor; Gastrointestinal stromal tumor, somatic. Identifiers: Orphanet 44890, MedGen C0238198, MeSH D046152, MONDO:0011719, OMIM 606764, HP:0100723.

Allele frequency attached by ClinVar (database versions not stated): gnomAD 0.00001; gnomAD exomes 0.00001.
gnomAD v4.1: 12 of 1,613,608 alleles (0.00074%); highest among the groups gnomAD compares: Admixed American, 0.0017%; no homozygotes.

Submissions (3):

Myriad Genetics, Inc.
Classification: Benign for Gastrointestinal stromal tumor. Last evaluated: 2026-06-04. Review status: criteria provided, single submitter. Criteria: Myriad Autosomal Dominant, Autosomal Recessive and X-Linked Classification Criteria (2023). Collection method: clinical testing. Allele origin: unknown.
Comment: This variant is considered benign. This variant is a silent/synonymous amino acid change and it is not expected to impact splicing.

Labcorp Genetics (formerly Invitae), Labcorp
Classification: Likely benign for Gastrointestinal stromal tumor. Last evaluated: 2025-12-03. Review status: criteria provided, single submitter. Criteria: Invitae Variant Classification Sherloc (09022015). Collection method: clinical testing. Allele origin: germline.

Ambry Genetics
Classification: Likely benign for Hereditary cancer-predisposing syndrome. Last evaluated: 2023-03-04. Review status: criteria provided, single submitter. Criteria: Ambry Variant Classification Scheme 2023. Collection method: clinical testing. Allele origin: germline.

NM_000222.3(KIT):c.2268C>T (p.Ile756=)

Gene: KIT (KIT proto-oncogene, receptor tyrosine kinase; plus strand). Cytogenetic location: 4q12.
Variant type: single nucleotide variant.
Coding change: c.2268C>T on transcript NM_000222.3 (MANE Select); coding-DNA position 2268, C replaced by T.
Protein change: p.Ile756=; no amino-acid change (isoleucine 756 retained).
Molecular consequence: synonymous variant.
Genome position (GRCh38, 1-based): chr4:54,731,905, C>T. VCF-style: chr4-54731905-C-T. GRCh37 (hg19) VCF-style: chr4-55598071-C-T.
Other names: c.2268C>T (NM_000222.2); c.2256C>T, p.Ile752= (NM_001093772.2, NM_001385292.1); c.2271C>T, p.Ile757= (NM_001385284.1); c.2265C>T, p.Ile755= (NM_001385285.1); c.2253C>T, p.Ile751= (NM_001385286.1); c.2259C>T, p.Ile753= (NM_001385288.1); c.2268C>T, p.Ile756= (NM_001385290.1).
Identifiers: ClinVar variation 1115051 (VCV001115051.12), dbSNP rs1722622843, ClinGen allele CA439291752.